The following is an entry in ClinVar:

NM_002224.4(ITPR3):c.159T>C (p.Arg53=)

Gene: ITPR3 (inositol 1,4,5-trisphosphate receptor type 3; plus strand). Cytogenetic location: 6p21.31.
Variant type: single nucleotide variant.
Coding change: c.159T>C on transcript NM_002224.4 (MANE Select); coding-DNA position 159, T replaced by C.
Protein change: p.Arg53=; no amino-acid change (arginine 53 retained).
Molecular consequence: synonymous variant.
Genome position (GRCh38, 1-based): chr6:33,640,553, T>C. VCF-style: chr6-33640553-T-C. GRCh37 (hg19) VCF-style: chr6-33608330-T-C.
Identifiers: ClinVar variation 3040710 (VCV003040710.2), dbSNP rs141783150, ClinGen allele CA3759829.
Genomic context (GRCh38, chr6:33,640,553, plus strand): 5'-TGACCGCTGTGTGGTGGAGCCCGCGGCCGGGGACCTGGACAACCCCCCTAAGAAGTTCCG[T>C]GGTAAGACCTCCGCTTCCTCTGCCCCCGCCCCTCCCAGGCTGCAGGGTTCTGGACCTGCG-3'
Protein context (NP_002215.2, residues 43-63): GDLDNPPKKF[Arg53=]DCLFKVCPMN

ClinVar aggregate classification (germline): Likely benign (0 of 4 stars; one submission).

Conditions:
ITPR3-related disorder. Also called: ITPR3-related condition.

Allele frequency attached by ClinVar (database versions not stated): gnomAD exomes 0.00015; ExAC 0.00038; 1000 Genomes Project 0.00080; 1000 Genomes Project 30x 0.00094; gnomAD 0.00149; ESP Exome Variant Server 0.00169; TOPMed 0.00188.
gnomAD v4.1: 458 of 1,611,814 alleles (0.028%); highest among the groups gnomAD compares: African/African-American, 0.56%; 1 homozygote.

Submission:

PreventionGenetics, part of Exact Sciences
Classification: Likely benign for ITPR3-related condition. Last evaluated: 2019-09-11. Review status: no assertion criteria provided. Collection method: clinical testing. Allele origin: germline.
Comment: This variant is classified as likely benign based on ACMG/AMP sequence variant interpretation guidelines (Richards et al. 2015 PMID: 25741868, with internal and published modifications).